The following is an entry in ClinVar:

NM_000059.4(BRCA2):c.2466del (p.Cys822fs)

Gene: BRCA2 (BRCA2 DNA repair associated; plus strand). Cytogenetic location: 13q13.1.
Variant type: Deletion.
Coding change: c.2466del on transcript NM_000059.4 (MANE Select); coding-DNA position 2466, one base deleted (T; older notation c.2466delT).
Protein change: p.Cys822fs; shifts the reading frame from cysteine 822.
Molecular consequence: frameshift variant.
Genome position (GRCh38, 1-based): chr13:32,336,821, T deleted. VCF-style (leftmost placement, unchanged base first): chr13-32336820-GT-G. GRCh37 (hg19) VCF-style: chr13-32910957-GT-G.
Other names: c.2466delT, p.Cys822Trpfs (NM_001406719.1, NM_001406720.1); short protein forms C822fs.
Identifiers: ClinVar variation 2103462 (VCV002103462.7), dbSNP rs2548524019, ClinGen allele CA2580087271.

ClinVar aggregate classification (germline): Pathogenic. Review status: criteria provided, multiple submitters, no conflicts (2 of 4 stars). 3 submissions from 3 submitters: Pathogenic (3). Last evaluated 2023-12-12.

Conditions:
Hereditary breast ovarian cancer syndrome. Also called: Hereditary breast and ovarian cancer; Hereditary breast and ovarian cancer syndrome; Breast and ovarian cancer; BRCA1- and BRCA2-Associated Hereditary Breast and Ovarian Cancer; Hereditary breast and/or ovarian cancer syndrome; Hereditary breast and ovarian cancer syndrome (HBOC). Identifiers: Orphanet 145, MedGen C0677776, MeSH D061325, MONDO:0003582. Disease mechanism: loss of function.
Hereditary cancer-predisposing syndrome. Also called: Hereditary Cancer Syndrome; Tumor predisposition; Neoplastic Syndromes, Hereditary; Hereditary neoplastic syndrome. Identifiers: Orphanet 140162, MedGen C0027672, MeSH D009386, MONDO:0015356.

Submissions (3):

Ambry Genetics
Classification: Pathogenic for Hereditary cancer-predisposing syndrome. Last evaluated: 2023-12-12. Review status: criteria provided, single submitter. Criteria: Ambry Variant Classification Scheme 2023. Collection method: clinical testing. Allele origin: germline.
Comment: The c.2466delT pathogenic mutation, located in coding exon 10 of the BRCA2 gene, results from a deletion of one nucleotide at nucleotide position 2466, causing a translational frameshift with a predicted alternate stop codon (p.C822Wfs*3). This variant is considered to be rare based on population cohorts in the Genome Aggregation Database (gnomAD). This alteration is expected to result in loss of function by premature protein truncation or nonsense-mediated mRNA decay. As such, this alteration is interpreted as a disease-causing mutation.

Labcorp Genetics (formerly Invitae), Labcorp
Classification: Pathogenic for Hereditary breast ovarian cancer syndrome. Last evaluated: 2022-05-28. Review status: criteria provided, single submitter. Criteria: Invitae Variant Classification Sherloc (09022015). Collection method: clinical testing. Allele origin: germline.
Comment: For these reasons, this variant has been classified as Pathogenic. This variant has not been reported in the literature in individuals affected with BRCA2-related conditions. This variant is not present in population databases (gnomAD no frequency). This sequence change creates a premature translational stop signal (p.Cys822Trpfs*3) in the BRCA2 gene. It is expected to result in an absent or disrupted protein product. Loss-of-function variants in BRCA2 are known to be pathogenic (PMID: 20104584).

Color Diagnostics, LLC DBA Color Health
Classification: Pathogenic for Hereditary cancer-predisposing syndrome. Last evaluated: 2022-01-25. Review status: criteria provided, single submitter. Criteria: ACMG Guidelines, 2015. Collection method: clinical testing. Allele origin: germline.
Comment: This variant deletes 1 nucleotide in exon 11 of the BRCA2 gene, creating a frameshift and premature translation stop signal. This variant is also known as 2694delT by Breast Cancer Information Core (BIC) nomenclature. This variant is expected to result in an absent or non-functional protein product. To our knowledge, this variant has not been reported in individuals affected with hereditary cancer in the literature. This variant has not been identified in the general population by the Genome Aggregation Database (gnomAD). Loss of BRCA2 function is a known mechanism of disease. Based on the available evidence, this variant is classified as Pathogenic.

Literature cited by the submitters: PubMed 20104584 (cited by Labcorp Genetics (formerly Invitae), Labcorp).